The following is an entry in ClinVar:

NM_000264.5(PTCH1):c.3627G>A (p.Met1209Ile)

Gene: PTCH1 (patched 1; minus strand). Cytogenetic location: 9q22.32.
Variant type: single nucleotide variant.
Coding change: c.3627G>A on transcript NM_000264.5 (MANE Select); coding-DNA position 3627, G replaced by A.
Protein change: p.Met1209Ile; replaces methionine 1209 with isoleucine.
Molecular consequence: missense variant. On other transcripts: non-coding transcript variant (1).
Genome position (GRCh38, 1-based): chr9:95,449,246, C>T on the plus strand (G>A on the coding strand, the complement: PTCH1 is on the minus strand). VCF-style: chr9-95449246-C-T. GRCh37 (hg19) VCF-style: chr9-98211528-C-T.
Other names: c.3429G>A, p.Met1143Ile (NM_001083602.3); c.3624G>A, p.Met1208Ile (NM_001083603.3); c.3174G>A, p.Met1058Ile (NM_001083604.3, NM_001083605.3, NM_001083606.3 and 1 more transcripts); c.3471G>A, p.Met1157Ile (NM_001354918.2); c.3627G>A (NM_000264.3); short protein forms M1058I, M1209I, M1157I, M1208I, M1143I.
Identifiers: ClinVar variation 1393945 (VCV001393945.9), dbSNP rs1838227370, ClinGen allele CA374111269.

ClinVar aggregate classification (germline): Conflicting classifications of pathogenicity. Review status: criteria provided, conflicting classifications (1 of 4 stars). 2 submissions from 2 submitters: Uncertain significance (1); Likely benign (1). Last evaluated 2026-06-29.

Conditions:
Hereditary cancer-predisposing syndrome. Also called: Hereditary Cancer Syndrome; Neoplastic Syndromes, Hereditary; Hereditary neoplastic syndrome; Tumor predisposition. Identifiers: Orphanet 140162, MedGen C0027672, MeSH D009386, MONDO:0015356.
Gorlin syndrome. Also called: Nevoid Basal Cell Carcinoma Syndrome; Basal cell nevus syndrome. Identifiers: Orphanet 377, MedGen C0004779, MONDO:0007187.

Allele frequency attached by ClinVar (database versions not stated): TOPMed below 0.00001.

Submissions (2):

Ambry Genetics
Classification: Likely benign for Hereditary cancer-predisposing syndrome. Last evaluated: 2026-06-29. Review status: criteria provided, single submitter. Criteria: Ambry Variant Classification Scheme 2023. Collection method: clinical testing. Allele origin: germline.

Labcorp Genetics (formerly Invitae), Labcorp
Classification: Uncertain significance for Gorlin syndrome. Last evaluated: 2021-11-18. Review status: criteria provided, single submitter. Criteria: Invitae Variant Classification Sherloc (09022015). Collection method: clinical testing. Allele origin: germline.
Comment: This variant is not present in population databases (gnomAD no frequency). In summary, the available evidence is currently insufficient to determine the role of this variant in disease. Therefore, it has been classified as a Variant of Uncertain Significance. Advanced modeling of protein sequence and biophysical properties (such as structural, functional, and spatial information, amino acid conservation, physicochemical variation, residue mobility, and thermodynamic stability) performed at Invitae indicates that this missense variant is not expected to disrupt PTCH1 protein function. This variant has not been reported in the literature in individuals affected with PTCH1-related conditions. This sequence change replaces methionine, which is neutral and non-polar, with isoleucine, which is neutral and non-polar, at codon 1209 of the PTCH1 protein (p.Met1209Ile).